The following is an entry in ClinVar:

NM_005045.4(RELN):c.8802G>A (p.Val2934=)

Genes: RELN (reelin; minus strand), SLC26A5-AS1 (SLC26A5 antisense RNA 1; plus strand). Cytogenetic location: 7q22.1.
Variant type: single nucleotide variant.
Coding change: c.8802G>A on transcript NM_005045.4 (MANE Select); coding-DNA position 8802, G replaced by A.
Protein change: p.Val2934=; no amino-acid change (valine 2934 retained).
Molecular consequence: synonymous variant.
Genome position (GRCh38, 1-based): chr7:103,498,118, C>T on the plus strand (G>A on the coding strand, the complement: RELN is on the minus strand). VCF-style: chr7-103498118-C-T. GRCh37 (hg19) VCF-style: chr7-103138565-C-T.
Other names: c.8802G>A (NM_005045.3); c.8802G>A, p.Val2934= (NM_173054.3).
Identifiers: ClinVar variation 1081342 (VCV001081342.7), dbSNP rs1182011781, ClinGen allele CA457024152.

ClinVar aggregate classification (germline): Likely benign. Review status: criteria provided, multiple submitters, no conflicts (2 of 4 stars). 2 submissions from 2 submitters: Likely benign (2). Last evaluated 2025-04-10.

Conditions:
RELN-related disorder. Also called: RELN-related condition.
Norman-Roberts syndrome (LIS2). Also called: Lissencephaly 2 (Norman-Roberts type). Identifiers: Orphanet 89844, MedGen C0796089, MONDO:0009760, OMIM 257320.
Familial temporal lobe epilepsy 7. Identifiers: Orphanet 101046, MedGen C4225327, MONDO:0014639, OMIM 616436.

Allele frequency attached by ClinVar (database versions not stated): gnomAD exomes below 0.00001; gnomAD 0.00001.
gnomAD v4.1: 3 of 1,614,034 alleles (0.00019%); highest among the groups gnomAD compares: Non-Finnish European, 0.00025%; no homozygotes.

Submissions (2):

PreventionGenetics, part of Exact Sciences
Classification: Likely benign for RELN-related condition. Last evaluated: 2025-04-10. Review status: criteria provided, single submitter. Criteria: ACMG Guidelines, 2015. Collection method: clinical testing. Allele origin: germline.
Comment: This variant is classified as likely benign based on ACMG/AMP sequence variant interpretation guidelines (Richards et al. 2015 PMID: 25741868, with internal and published modifications).

Labcorp Genetics (formerly Invitae), Labcorp
Classification: Likely benign for Familial temporal lobe epilepsy 7; Norman-Roberts syndrome. Last evaluated: 2024-04-08. Review status: criteria provided, single submitter. Criteria: Invitae Variant Classification Sherloc (09022015). Collection method: clinical testing. Allele origin: germline.